The following is an entry in ClinVar:

NM_025144.4(ALPK1):c.1768A>G (p.Ser590Gly)

Gene: ALPK1 (alpha kinase 1; plus strand). Cytogenetic location: 4q25.
Variant type: single nucleotide variant.
Coding change: c.1768A>G on transcript NM_025144.4 (MANE Select); coding-DNA position 1768, A replaced by G.
Protein change: p.Ser590Gly; replaces serine 590 with glycine.
Molecular consequence: missense variant.
Genome position (GRCh38, 1-based): chr4:112,431,315, A>G. VCF-style: chr4-112431315-A-G. GRCh37 (hg19) VCF-style: chr4-113352471-A-G.
Other names: c.1768A>G, p.Ser590Gly (NM_001102406.2); c.1534A>G, p.Ser512Gly (NM_001253884.2); short protein forms S590G, S512G.
Identifiers: ClinVar variation 2991441 (VCV002991441.3), dbSNP rs1255889888, ClinGen allele CA357896071.
Genomic context (GRCh38, chr4:112,431,315, plus strand): 5'-TTCAACAAGTCTCTGAGTGGCAGCCAGACTTCCAGTGCTTGGAGCAACTTATCAGGGTTT[A>G]GTTCCTCTGCAAGCTGGGAGGAAGTGAATTATCACGTTGACGACAGGTCAGCCAGAAAAG-3'
Protein context (NP_079420.3, residues 580-600): SSAWSNLSGF[Ser590Gly]SSASWEEVNY

ClinVar aggregate classification (germline): Uncertain significance (1 of 4 stars; one submission).

Allele frequency attached by ClinVar (database versions not stated): gnomAD exomes below 0.00001; TOPMed below 0.00001.
gnomAD v4.1: 2 of 1,614,220 alleles (0.00012%); highest among the groups gnomAD compares: Non-Finnish European, 0.00017%; no homozygotes.

Submission:

Labcorp Genetics (formerly Invitae), Labcorp
Classification: Uncertain significance. Last evaluated: 2023-10-05. Review status: criteria provided, single submitter. Criteria: Invitae Variant Classification Sherloc (09022015). Collection method: clinical testing. Allele origin: germline.
Comment: This sequence change replaces serine, which is neutral and polar, with glycine, which is neutral and non-polar, at codon 590 of the ALPK1 protein (p.Ser590Gly). This variant is present in population databases (no rsID available, gnomAD 0.0009%). This variant has not been reported in the literature in individuals affected with ALPK1-related conditions. Advanced modeling of protein sequence and biophysical properties (such as structural, functional, and spatial information, amino acid conservation, physicochemical variation, residue mobility, and thermodynamic stability) performed at Invitae indicates that this missense variant is not expected to disrupt ALPK1 protein function. In summary, the available evidence is currently insufficient to determine the role of this variant in disease. Therefore, it has been classified as a Variant of Uncertain Significance.